The following is an entry in ClinVar:

ClinVar aggregate classification (germline): Benign (1 of 4 stars; one submission).

Conditions:
Breast-ovarian cancer, familial, susceptibility to, 2 (BROVCA2). Also called: BRCA2 Hereditary Breast and Ovarian Cancer. Identifiers: Orphanet 145, MedGen C2675520, MONDO:0012933, OMIM 612555. Disease mechanism: loss of function.

Submission:

Dipartimento Di Medicina Di Precisione, Università Degli Studi Della Campania Luigi Vanvitelli
Classification: Benign for Breast-ovarian cancer, familial, susceptibility to, 2. Last evaluated: 2025-07-17. Review status: criteria provided, single submitter. Criteria: ACMG Guidelines, 2015. Collection method: clinical testing. Allele origin: germline. Affected: yes. Observed: 1 heterozygote.
Comment: The CHEK2 c.1096-104A>G variant is located in intron 9, between exon 9 and exon 10 of transcript NM_007194.4. This is a deep intronic variant, situated 104 nucleotides upstream of the exon 10 splice acceptor site. The position does not involve canonical splice site regions nor highly conserved sequences. In silico analysis using SpliceAI and CADD does not predict significant effects on splicing or protein function, supporting a benign interpretation. Based on current evidence, the variant can be classified as likely benign.

Literature cited by the submitters: DOI 10.3390/ijms26135928.

NM_007194.4:c.1096-104A>G

Gene: CHEK2 (checkpoint kinase 2; minus strand).
Variant type: single nucleotide variant.
Other names: c.1096-104A>G (NM_007194.4).
Identifiers: ClinVar variation 4073514 (VCV004073514.1).